The following is an entry in ClinVar:

NM_001290060.2(SEMA3B):c.1285A>T (p.Thr429Ser)

Gene: SEMA3B (semaphorin 3B; plus strand). Cytogenetic location: 3p21.31.
Variant type: single nucleotide variant.
Coding change: c.1285A>T on transcript NM_001290060.2 (MANE Select); coding-DNA position 1285, A replaced by T.
Protein change: p.Thr429Ser; replaces threonine 429 with serine.
Molecular consequence: missense variant. On other transcripts: non-coding transcript variant (1).
Genome position (GRCh38, 1-based): chr3:50,274,510, A>T. VCF-style: chr3-50274510-A-T. GRCh37 (hg19) VCF-style: chr3-50311941-A-T.
Other names: c.1282A>T, p.Thr428Ser (NM_001005914.3, NM_001435957.1, NM_001435958.1); c.1300A>T, p.Thr434Ser (NM_001290061.1); c.256A>T, p.Thr86Ser (NM_001290062.2, NM_001290063.2); c.1285A>T, p.Thr429Ser (NM_001435956.1, NM_004636.4); short protein forms T434S, T86S, T428S, T429S.
Identifiers: ClinVar variation 4984376 (VCV004984376.1).

ClinVar aggregate classification (germline): Uncertain significance (1 of 4 stars; one submission).

Conditions:
SEMA3B-related disorder. Also called: SEMA3B-related condition.

Submission:

PreventionGenetics, part of Exact Sciences
Classification: Uncertain significance for SEMA3B-related condition. Last evaluated: 2026-06-26. Review status: criteria provided, single submitter. Criteria: ACMG Guidelines, 2015. Collection method: clinical testing. Allele origin: germline.
Comment: The SEMA3B c.1300A>T variant is predicted to result in the amino acid substitution p.Thr434Ser. To our knowledge, this variant has not been reported in the literature or in a large population database (gnomAD), indicating this variant is rare. At this time, the clinical significance of this variant is uncertain due to the absence of conclusive functional and genetic evidence.